The following is an entry in ClinVar:

ClinVar aggregate classification (germline): Uncertain significance. Review status: criteria provided, multiple submitters, no conflicts (2 of 4 stars). 2 submissions from 2 submitters: Uncertain significance (2). Last evaluated 2024-09-11.

Conditions:
Epilepsy, familial focal, with variable foci 3 (FFEVF3). Identifiers: MedGen C4310708, MONDO:0014925, OMIM 617118.

Allele frequency attached by ClinVar (database versions not stated): TOPMed 0.00001; gnomAD 0.00001; gnomAD exomes 0.00001.
gnomAD v4.1: 9 of 1,574,768 alleles (0.00057%); highest among the groups gnomAD compares: Non-Finnish European, 0.00077%; no homozygotes.

Submissions (2):

Blueprint Genetics
Classification: Uncertain significance. Last evaluated: 2024-09-11. Review status: criteria provided, single submitter. Criteria: ACMG Guidelines, 2015. Collection method: clinical testing. Allele origin: germline.

Labcorp Genetics (formerly Invitae), Labcorp
Classification: Uncertain significance for Epilepsy, familial focal, with variable foci 3. Last evaluated: 2023-08-17. Review status: criteria provided, single submitter. Criteria: Invitae Variant Classification Sherloc (09022015). Collection method: clinical testing. Allele origin: germline.
Comment: This sequence change replaces glutamine with histidine at codon 405 of the NPRL3 protein (p.Gln405His). The glutamine residue is highly conserved and there is a small physicochemical difference between glutamine and histidine. This variant is present in population databases (no rsID available, gnomAD 0.007%). This missense change has been observed in individual(s) with clinical features of NPRL3-related conditions (Invitae). ClinVar contains an entry for this variant (Variation ID: 476216). Advanced modeling of protein sequence and biophysical properties (such as structural, functional, and spatial information, amino acid conservation, physicochemical variation, residue mobility, and thermodynamic stability) has been performed at Invitae for this missense variant, however the output from this modeling did not meet the statistical confidence thresholds required to predict the impact of this variant on NPRL3 protein function. Algorithms developed to predict the effect of sequence changes on RNA splicing suggest that this variant may disrupt the consensus splice site. In summary, the available evidence is currently insufficient to determine the role of this variant in disease. Therefore, it has been classified as a Variant of Uncertain Significance.

NM_001077350.3(NPRL3):c.1215G>C (p.Gln405His)

Genes: HBA-LCR (alpha-globin locus control region; plus strand), NPRL3 (NPR3 like, GATOR1 complex subunit; minus strand). Cytogenetic location: 16p13.3.
Variant type: single nucleotide variant.
Coding change: c.1215G>C on transcript NM_001077350.3 (MANE Select); coding-DNA position 1215, G replaced by C.
Protein change: p.Gln405His; replaces glutamine 405 with histidine.
Molecular consequence: missense variant.
Genome position (GRCh38, 1-based): chr16:89,849, C>G on the plus strand (G>C on the coding strand, the complement: NPRL3 is on the minus strand). VCF-style: chr16-89849-C-G. GRCh37 (hg19) VCF-style: chr16-139847-C-G.
Other names: c.678G>C, p.Gln226His (NM_001039476.3); c.981G>C, p.Gln327His (NM_001243247.2); c.1140G>C, p.Gln380His (NM_001243248.2, NM_001243249.2); short protein forms Q405H, Q380H, Q327H, Q226H.
Identifiers: ClinVar variation 476216 (VCV000476216.9), dbSNP rs1426917813, ClinGen allele CA394051365.